The following is an entry in ClinVar:

ClinVar aggregate classification (germline): Uncertain significance (1 of 4 stars; one submission).

Conditions:
Peroxisome biogenesis disorder 5A (Zellweger) (PBD5A). Identifiers: Orphanet 912, MedGen C3553940, MONDO:0013932, OMIM 614866.

Submission:

Labcorp Genetics (formerly Invitae), Labcorp
Classification: Uncertain significance for Peroxisome biogenesis disorder 5A (Zellweger). Last evaluated: 2022-07-12. Review status: criteria provided, single submitter. Criteria: Invitae Variant Classification Sherloc (09022015). Collection method: clinical testing. Allele origin: germline.
Comment: Algorithms developed to predict the effect of missense changes on protein structure and function (SIFT, PolyPhen-2, Align-GVGD) all suggest that this variant is likely to be tolerated. In summary, the available evidence is currently insufficient to determine the role of this variant in disease. Therefore, it has been classified as a Variant of Uncertain Significance. This variant has not been reported in the literature in individuals affected with PEX2-related conditions. This variant is not present in population databases (gnomAD no frequency). This sequence change replaces isoleucine, which is neutral and non-polar, with methionine, which is neutral and non-polar, at codon 143 of the PEX2 protein (p.Ile143Met).

NM_000318.3(PEX2):c.429T>G (p.Ile143Met)

Gene: PEX2 (peroxisomal biogenesis factor 2; minus strand). Cytogenetic location: 8q21.13.
Variant type: single nucleotide variant.
Coding change: c.429T>G on transcript NM_000318.3 (MANE Select); coding-DNA position 429, T replaced by G.
Protein change: p.Ile143Met; replaces isoleucine 143 with methionine.
Molecular consequence: missense variant.
Genome position (GRCh38, 1-based): chr8:76,983,750, A>C on the plus strand (T>G on the coding strand, the complement: PEX2 is on the minus strand). VCF-style: chr8-76983750-A-C. GRCh37 (hg19) VCF-style: chr8-77895986-A-C.
Other names: c.429T>G, p.Ile143Met (NM_001079867.2, NM_001172086.2, NM_001172087.2); short protein forms I143M.
Identifiers: ClinVar variation 2088306 (VCV002088306.4), dbSNP rs1806913969, ClinGen allele CA371557356.